The following is an entry in ClinVar:

NM_001112741.2(KCNC1):c.91G>C (p.Gly31Arg)

Gene: KCNC1 (potassium voltage-gated channel subfamily C member 1; plus strand). Cytogenetic location: 11p15.1.
Variant type: single nucleotide variant.
Coding change: c.91G>C on transcript NM_001112741.2 (MANE Select); coding-DNA position 91, G replaced by C.
Protein change: p.Gly31Arg; replaces glycine 31 with arginine.
Molecular consequence: missense variant.
Genome position (GRCh38, 1-based): chr11:17,736,093, G>C. VCF-style: chr11-17736093-G-C. GRCh37 (hg19) VCF-style: chr11-17757640-G-C.
Other names: c.91G>C, p.Gly31Arg (NM_004976.4); short protein forms G31R.
Identifiers: ClinVar variation 1308752 (VCV001308752.2), dbSNP rs2133774003, ClinGen allele CA379798983.

ClinVar aggregate classification (germline): Uncertain significance (1 of 4 stars; one submission).

Allele frequency attached by ClinVar (database versions not stated): gnomAD exomes below 0.00001.
gnomAD v4.1: 3 of 1,608,088 alleles (0.00019%); highest among the groups gnomAD compares: Non-Finnish European, 0.00025%; no homozygotes.

Submission:

GeneDx
Classification: Uncertain significance. Last evaluated: 2019-09-28. Review status: criteria provided, single submitter. Criteria: GeneDx Variant Classification Process June 2021. Collection method: clinical testing. Allele origin: germline. Affected: yes.
Comment: Not observed in large population cohorts (Lek et al., 2016); In silico analysis, which includes protein predictors and evolutionary conservation, supports a deleterious effect; Has not been previously published as pathogenic or benign to our knowledge